The following is an entry in ClinVar:

NM_001371727.1(GABRB2):c.377A>G (p.Lys126Arg)

Gene: GABRB2 (gamma-aminobutyric acid type A receptor subunit beta2; minus strand). Cytogenetic location: 5q34.
Variant type: single nucleotide variant.
Coding change: c.377A>G on transcript NM_001371727.1 (MANE Select); coding-DNA position 377, A replaced by G.
Protein change: p.Lys126Arg; replaces lysine 126 with arginine.
Molecular consequence: missense variant.
Genome position (GRCh38, 1-based): chr5:161,459,705, T>C on the plus strand (A>G on the coding strand, the complement: GABRB2 is on the minus strand). VCF-style: chr5-161459705-T-C. GRCh37 (hg19) VCF-style: chr5-160886711-T-C.
Other names: c.377A>G, p.Lys126Arg (NM_000813.3, NM_021911.3); short protein forms K126R.
Identifiers: ClinVar variation 2867078 (VCV002867078.3), dbSNP rs2479999935, ClinGen allele CA362173868.

ClinVar aggregate classification (germline): Uncertain significance (1 of 4 stars; one submission).

Conditions:
Intellectual disability. Also called: Intellectual functioning disability; intellectual disabilities; Intellectual developmental disorder. Identifiers: MedGen C3714756, MeSH D008607, MONDO:0001071, HP:0001249.

Submission:

Labcorp Genetics (formerly Invitae), Labcorp
Classification: Uncertain significance for Intellectual disability. Last evaluated: 2023-05-22. Review status: criteria provided, single submitter. Criteria: Invitae Variant Classification Sherloc (09022015). Collection method: clinical testing. Allele origin: germline.
Comment: In summary, the available evidence is currently insufficient to determine the role of this variant in disease. Therefore, it has been classified as a Variant of Uncertain Significance. Advanced modeling of protein sequence and biophysical properties (such as structural, functional, and spatial information, amino acid conservation, physicochemical variation, residue mobility, and thermodynamic stability) has been performed at Invitae for this missense variant, however the output from this modeling did not meet the statistical confidence thresholds required to predict the impact of this variant on GABRB2 protein function. This variant has not been reported in the literature in individuals affected with GABRB2-related conditions. This variant is not present in population databases (gnomAD no frequency). This sequence change replaces lysine, which is basic and polar, with arginine, which is basic and polar, at codon 126 of the GABRB2 protein (p.Lys126Arg).